The following is an entry in ClinVar:

ClinVar aggregate classification (germline): Uncertain significance (1 of 4 stars; one submission).

Conditions:
Familial meningioma. Also called: Meningioma, familial, susceptibility to. Identifiers: Orphanet 263662, MedGen C3551915, MONDO:0011789, OMIM 607174.

Submission:

Labcorp Genetics (formerly Invitae), Labcorp
Classification: Uncertain significance for Familial meningioma. Last evaluated: 2021-10-06. Review status: criteria provided, single submitter. Criteria: Invitae Variant Classification Sherloc (09022015). Collection method: clinical testing. Allele origin: germline.
Comment: Algorithms developed to predict the effect of missense changes on protein structure and function are either unavailable or do not agree on the potential impact of this missense change (SIFT: "Deleterious"; PolyPhen-2: "Benign"; Align-GVGD: "Class C25"). In summary, the available evidence is currently insufficient to determine the role of this variant in disease. Therefore, it has been classified as a Variant of Uncertain Significance. This variant has not been reported in the literature in individuals affected with SMARCE1-related conditions. This variant is not present in population databases (ExAC no frequency). This sequence change replaces proline with alanine at codon 175 of the SMARCE1 protein (p.Pro175Ala). The proline residue is highly conserved and there is a small physicochemical difference between proline and alanine.

NM_003079.5(SMARCE1):c.523C>G (p.Pro175Ala)

Gene: SMARCE1 (SWI/SNF related BAF chromatin remodeling complex subunit E1; minus strand). Cytogenetic location: 17q21.2.
Variant type: single nucleotide variant.
Coding change: c.523C>G on transcript NM_003079.5 (MANE Select); coding-DNA position 523, C replaced by G.
Protein change: p.Pro175Ala; replaces proline 175 with alanine.
Molecular consequence: missense variant.
Genome position (GRCh38, 1-based): chr17:40,635,949, G>C on the plus strand (C>G on the coding strand, the complement: SMARCE1 is on the minus strand). VCF-style: chr17-40635949-G-C. GRCh37 (hg19) VCF-style: chr17-38792201-G-C.
Other names: short protein forms P175A.
Identifiers: ClinVar variation 1484646 (VCV001484646.6), dbSNP rs2143996013, ClinGen allele CA399366245.
Genomic context (GRCh38, chr17:40,635,949, plus strand): 5'-CACAGAGAAAGCATAAACAAAACCCCACTTTTTTTCTTTTACCATCTGGATCTTCAGCAG[G>C]CTGAATGCTCATGTACGGTTCTCCTTTCTCCATGCGAGATTGTCTCTGTCGACTTTCTTC-3'
Protein context (NP_003070.3, residues 165-185): EKGEPYMSIQ[Pro175Ala]AEDPDDYDDG